The following is an entry in ClinVar:

NM_014014.5(SNRNP200):c.4942C>T (p.Arg1648Trp)

Gene: SNRNP200 (small nuclear ribonucleoprotein U5 subunit 200; minus strand). Cytogenetic location: 2q11.2.
Variant type: single nucleotide variant.
Coding change: c.4942C>T on transcript NM_014014.5 (MANE Select); coding-DNA position 4942, C replaced by T.
Protein change: p.Arg1648Trp; replaces arginine 1648 with tryptophan.
Molecular consequence: missense variant.
Genome position (GRCh38, 1-based): chr2:96,281,896, G>A on the plus strand (C>T on the coding strand, the complement: SNRNP200 is on the minus strand). VCF-style: chr2-96281896-G-A. GRCh37 (hg19) VCF-style: chr2-96947634-G-A.
Other names: short protein forms R1648W.
Identifiers: ClinVar variation 426251 (VCV000426251.3), dbSNP rs377595031, ClinGen allele CA1778073.

ClinVar aggregate classification (germline): Uncertain significance. Review status: criteria provided, multiple submitters, no conflicts (2 of 4 stars). 2 submissions from 2 submitters: Uncertain significance (2). Last evaluated 2023-11-21.

Allele frequency attached by ClinVar (database versions not stated): gnomAD exomes below 0.00001 and 0.00001; TOPMed below 0.00001; ExAC 0.00002; ESP Exome Variant Server 0.00008.
gnomAD v4.1: 10 of 1,614,064 alleles (0.00062%); highest among the groups gnomAD compares: South Asian, 0.0011%; no homozygotes.

Submissions (2):

Blueprint Genetics
Classification: Uncertain significance. Last evaluated: 2023-11-21. Review status: criteria provided, single submitter. Criteria: ACMG Guidelines, 2015. Collection method: clinical testing. Allele origin: germline.

GeneDx
Classification: Uncertain significance. Last evaluated: 2017-04-24. Review status: criteria provided, single submitter. Criteria: GeneDx Variant Classification (06012015). Collection method: clinical testing. Allele origin: germline. Affected: yes.
Comment: The R1648W variant in the SNRNP200 gene has not been reported previously as a pathogenic variant, nor as a benign variant, to our knowledge. The R1648W variant is not observed at a significant frequency in large population cohorts (Lek et al., 2016; 1000 Genomes Consortium et al., 2015; Exome Variant Server). The R1648W variant is a non-conservative amino acid substitution, which is likely to impact secondary protein structure as these residues differ in polarity, charge, size and/or other properties. This substitution occurs at a position that is conserved across species. In silico analysis predicts this variant is probably damaging to the protein structure/function. We interpret R1648W as a variant of uncertain significance.